The following is an entry in ClinVar:

NM_000069.3(CACNA1S):c.574_575del (p.Ala192fs)

Gene: CACNA1S (calcium voltage-gated channel subunit alpha1 S; minus strand). Cytogenetic location: 1q32.1.
Variant type: Deletion.
Coding change: c.574_575del on transcript NM_000069.3 (MANE Select); coding-DNA positions 574 to 575, 2 bases deleted (GC; older notation c.574_575delGC).
Protein change: p.Ala192fs; shifts the reading frame from alanine 192.
Molecular consequence: frameshift variant.
Genome position (GRCh38, 1-based): chr1:201,091,759-201,091,760, GC deleted on the plus strand (GC on the coding strand, the reverse complement: CACNA1S is on the minus strand). VCF-style (leftmost placement, unchanged base first): chr1-201091758-GGC-G. GRCh37 (hg19) VCF-style: chr1-201060886-GGC-G.
Other names: short protein forms A192fs.
Identifiers: ClinVar variation 2935568 (VCV002935568.3), dbSNP rs1449622779, ClinGen allele CA528536632.
Genomic context (GRCh38, chr1:201,091,758, plus strand): 5'-GATGGCATAGATGATGACCATAAAGAGGACCAGCAGGGCGATGTGAAAGAGGGGGAGCAT[GGC>G]CTTGAAGATGGAGTTCAGGACCACCTGCAGGCCTGCAGAGGCAGGCAGGGAAGGGAAAAG-3'

ClinVar aggregate classification (germline): Pathogenic (1 of 4 stars; one submission).

Conditions:
Malignant hyperthermia, susceptibility to, 5 (MHS5). Also called: CACNA1S-Related Malignant Hyperthermia Susceptibility. Identifiers: Orphanet 423, MedGen C1866077, MONDO:0011163, OMIM 601887.
Hypokalemic periodic paralysis, type 1. Also called: HypoPP; Hypokalemic Periodic Paralysis Type 1 (AD). Identifiers: Orphanet 681, MedGen C3714580, MONDO:0042979, OMIM 170400.

Allele frequency attached by ClinVar (database versions not stated): gnomAD exomes below 0.00001.

Submission:

Labcorp Genetics (formerly Invitae), Labcorp
Classification: Pathogenic for Hypokalemic periodic paralysis, type 1; Malignant hyperthermia, susceptibility to, 5. Last evaluated: 2023-02-02. Review status: criteria provided, single submitter. Criteria: Invitae Variant Classification Sherloc (09022015). Collection method: clinical testing. Allele origin: germline.
Comment: For these reasons, this variant has been classified as Pathogenic. This variant has not been reported in the literature in individuals affected with CACNA1S-related conditions. This variant is present in population databases (no rsID available, gnomAD 0.006%). This sequence change creates a premature translational stop signal (p.Ala192Hisfs*48) in the CACNA1S gene. It is expected to result in an absent or disrupted protein product. Loss-of-function variants in CACNA1S are known to be pathogenic (PMID: 26247046, 28012042).

Literature cited by the submitters: PubMed 26247046; PubMed 28012042.